The following is an entry in ClinVar:

ClinVar aggregate classification (germline): Uncertain significance (1 of 4 stars; one submission).

gnomAD v4.1: 37 of 1,613,474 alleles (0.0023%); highest among the groups gnomAD compares: Non-Finnish European, 0.0029%; no homozygotes.

Submission:

GeneDx
Classification: Uncertain significance. Last evaluated: 2025-04-02. Review status: criteria provided, single submitter. Criteria: GeneDx Variant Classification Process June 2021. Collection method: clinical testing. Allele origin: germline. Affected: yes.
Comment: In silico analysis indicates that this missense variant does not alter protein structure/function; Has not been previously published as pathogenic or benign to our knowledge

NM_001204077.2(UBE4A):c.1564T>C (p.Phe522Leu)

Gene: UBE4A (ubiquitination factor E4A; plus strand). Cytogenetic location: 11q23.3.
Variant type: single nucleotide variant.
Coding change: c.1564T>C on transcript NM_001204077.2 (MANE Select); coding-DNA position 1564, T replaced by C.
Protein change: p.Phe522Leu; replaces phenylalanine 522 with leucine.
Molecular consequence: missense variant.
Genome position (GRCh38, 1-based): chr11:118,376,687, T>C. VCF-style: chr11-118376687-T-C. GRCh37 (hg19) VCF-style: chr11-118247402-T-C.
Other names: c.1585T>C, p.Phe529Leu (NM_004788.4); short protein forms F522L, F529L.
Identifiers: ClinVar variation 4282490 (VCV004282490.1).